The following is an entry in ClinVar:

NM_017617.5(NOTCH1):c.5580C>A (p.Pro1860=)

Gene: NOTCH1 (notch receptor 1; minus strand). Cytogenetic location: 9q34.3.
Variant type: single nucleotide variant.
Coding change: c.5580C>A on transcript NM_017617.5 (MANE Select); coding-DNA position 5580, C replaced by A.
Protein change: p.Pro1860=; no amino-acid change (proline 1860 retained).
Molecular consequence: synonymous variant.
Genome position (GRCh38, 1-based): chr9:136,501,806, G>T on the plus strand (C>A on the coding strand, the complement: NOTCH1 is on the minus strand). VCF-style: chr9-136501806-G-T. GRCh37 (hg19) VCF-style: chr9-139396258-G-T.
Identifiers: ClinVar variation 3053167 (VCV003053167.2), dbSNP rs2540429627, ClinGen allele CA467832259.

ClinVar aggregate classification (germline): Likely benign (0 of 4 stars; one submission).

Conditions:
NOTCH1-related disorder. Also called: NOTCH1-related condition; NOTCH1-related disorders.

gnomAD v4.1: 1 of 1,612,734 alleles (0.000062%); highest among the groups gnomAD compares: Non-Finnish European, 0.000085%; no homozygotes.

Submission:

PreventionGenetics, part of Exact Sciences
Classification: Likely benign for NOTCH1-related condition. Last evaluated: 2022-06-29. Review status: no assertion criteria provided. Collection method: clinical testing. Allele origin: germline.
Comment: This variant is classified as likely benign based on ACMG/AMP sequence variant interpretation guidelines (Richards et al. 2015 PMID: 25741868, with internal and published modifications).